The following is an entry in ClinVar:

ClinVar aggregate classification (germline): Conflicting classifications of pathogenicity. Review status: criteria provided, conflicting classifications (1 of 4 stars). 5 submissions from 5 submitters: Uncertain significance (1); Likely benign (4). Last evaluated 2025-02-05.

Conditions:
Cardiovascular phenotype. Identifiers: MedGen CN230736.
Cardiomyopathy (CMYO). Also called: Cardiomyopathies. Identifiers: Orphanet 167848, MedGen C0878544, MONDO:0004994, HP:0001638. Inheritance: Various modes of inheritance.
Hypertrophic cardiomyopathy. Also called: HYPERTROPHIC MYOCARDIOPATHY. Identifiers: Orphanet 217569, MedGen C0007194, MeSH D002312, MONDO:0005045, HP:0001639.

Allele frequency attached by ClinVar (database versions not stated): TOPMed 0.00002; ExAC 0.00003; gnomAD exomes 0.00003 and 0.00006.
gnomAD v4.1: 47 of 1,613,810 alleles (0.0029%); highest among the groups gnomAD compares: Middle Eastern, 0.016%; no homozygotes.

Submissions (5):

Ambry Genetics
Classification: Uncertain significance for Cardiovascular phenotype. Last evaluated: 2025-02-05. Review status: criteria provided, single submitter. Criteria: Ambry Variant Classification Scheme 2023. Collection method: clinical testing. Allele origin: germline.
Comment: The c.1671C>T variant (also known as p.G557G), located in coding exon 18 of the MYBPC3 gene, results from a C to T substitution at nucleotide position 1671. This nucleotide substitution does not change the glycine at codon 557. This nucleotide position is poorly conserved in available vertebrate species. In silico splice site analysis for this alteration is inconclusive. Based on the available evidence, the clinical significance of this variant remains unclear.

Labcorp Genetics (formerly Invitae), Labcorp
Classification: Likely benign for Hypertrophic cardiomyopathy. Last evaluated: 2025-01-14. Review status: criteria provided, single submitter. Criteria: Invitae Variant Classification Sherloc (09022015). Collection method: clinical testing. Allele origin: germline.

Blueprint Genetics
Classification: Likely benign. Last evaluated: 2024-04-22. Review status: criteria provided, single submitter. Criteria: ACMG Guidelines, 2015. Collection method: clinical testing. Allele origin: germline.

All of Us Research Program, National Institutes of Health
Classification: Likely benign for Hypertrophic cardiomyopathy. Last evaluated: 2023-12-18. Review status: criteria provided, single submitter. Criteria: ACMG Guidelines, 2015. Collection method: clinical testing. Allele origin: germline. Inheritance: Autosomal dominant inheritance. Observed: 5 variant alleles, 5 heterozygotes.
Comment: This study involves interpretation of variants in research participants for the purpose of population health screening. Participant phenotype was not available at the time of variant classification. Additional details can be found in publication PMID: 35346344, PMCID: PMC8962531

Color Diagnostics, LLC DBA Color Health
Classification: Likely benign for Cardiomyopathy. Last evaluated: 2019-05-04. Review status: criteria provided, single submitter. Criteria: ACMG Guidelines, 2015. Collection method: clinical testing. Allele origin: germline.

NM_000256.3(MYBPC3):c.1671C>T (p.Gly557=)

Gene: MYBPC3 (myosin binding protein C3; minus strand). Cytogenetic location: 11p11.2.
Variant type: single nucleotide variant.
Coding change: c.1671C>T on transcript NM_000256.3 (MANE Select); coding-DNA position 1671, C replaced by T.
Protein change: p.Gly557=; no amino-acid change (glycine 557 retained).
Molecular consequence: synonymous variant.
Genome position (GRCh38, 1-based): chr11:47,342,110, G>A on the plus strand (C>T on the coding strand, the complement: MYBPC3 is on the minus strand). VCF-style: chr11-47342110-G-A. GRCh37 (hg19) VCF-style: chr11-47363661-G-A.
Identifiers: ClinVar variation 927047 (VCV000927047.13), dbSNP rs751052593, ClinGen allele CA078259.
Genomic context (GRCh38, chr11:47,342,110, plus strand): 5'-CCACACACCCCGAACATTCTCATCTGAGACCTCACATTTGAACACCGCCTGGTCCTTTGC[G>A]CCCACCATCAGGTCTGCGATGCTCTGGTACACCTCCAGCTTCTTTTCTGCAGGGCAGGGC-3'
Protein context (NP_000247.2, residues 547-567): VYQSIADLMV[Gly557=]AKDQAVFKCE